The following is an entry in ClinVar:

NM_000350.3(ABCA4):c.6269C>T (p.Pro2090Leu)

Gene: ABCA4 (ATP binding cassette subfamily A member 4; minus strand). Cytogenetic location: 1p22.1.
Variant type: single nucleotide variant.
Coding change: c.6269C>T on transcript NM_000350.3 (MANE Select); coding-DNA position 6269, C replaced by T.
Protein change: p.Pro2090Leu; replaces proline 2090 with leucine.
Molecular consequence: missense variant.
Genome position (GRCh38, 1-based): chr1:94,001,871, G>A on the plus strand (C>T on the coding strand, the complement: ABCA4 is on the minus strand). VCF-style: chr1-94001871-G-A. GRCh37 (hg19) VCF-style: chr1-94467427-G-A.
Other names: c.6047C>T, p.Pro2016Leu (NM_001425324.1); short protein forms P2090L, P2016L.
Identifiers: ClinVar variation 1408856 (VCV001408856.9), dbSNP rs533271864, ClinGen allele CA956977.

ClinVar aggregate classification (germline): Uncertain significance. Review status: criteria provided, multiple submitters, no conflicts (2 of 4 stars). 2 submissions from 2 submitters: Uncertain significance (2). Last evaluated 2023-10-01.

Conditions:
Retinal dystrophy. Also called: Inherited retinal dystrophy. Identifiers: Orphanet 71862, MedGen C0854723, MeSH D058499, MONDO:0019118, HP:0000556.

Allele frequency attached by ClinVar (database versions not stated): ExAC 0.00001; gnomAD exomes 0.00001; 1000 Genomes Project 30x 0.00016; 1000 Genomes Project 0.00020.
gnomAD v4.1: 3 of 1,614,230 alleles (0.00019%); highest among the groups gnomAD compares: Admixed American, 0.0017%; no homozygotes.

Submissions (2):

Dept Of Ophthalmology, Nagoya University
Classification: Uncertain significance for Retinal dystrophy. Last evaluated: 2023-10-01. Review status: criteria provided, single submitter. Criteria: Submitter's publication. Collection method: research. Allele origin: germline. Affected: yes.

Labcorp Genetics (formerly Invitae), Labcorp
Classification: Uncertain significance. Last evaluated: 2021-02-13. Review status: criteria provided, single submitter. Criteria: Invitae Variant Classification Sherloc (09022015). Collection method: clinical testing. Allele origin: germline.
Comment: This sequence change replaces proline with leucine at codon 2090 of the ABCA4 protein (p.Pro2090Leu). The proline residue is highly conserved and there is a moderate physicochemical difference between proline and leucine. This variant is present in population databases (rs533271864, ExAC 0.006%). This variant has not been reported in the literature in individuals with ABCA4-related conditions. Advanced modeling of protein sequence and biophysical properties (such as structural, functional, and spatial information, amino acid conservation, physicochemical variation, residue mobility, and thermodynamic stability) performed at Invitae indicates that this missense variant is expected to disrupt ABCA4 protein function. In summary, the available evidence is currently insufficient to determine the role of this variant in disease. Therefore, it has been classified as a Variant of Uncertain Significance.